The following is an entry in ClinVar:

ClinVar aggregate classification (germline): Uncertain significance (1 of 4 stars; one submission).

Conditions:
3-methylglutaconic aciduria with deafness, encephalopathy, and Leigh-like syndrome (MEGDEL). Also called: 3-METHYLGLUTACONIC ACIDURIA, TYPE VI; SERAC1 Deficiency; MEGDEL syndrome. Identifiers: Orphanet 352328, MedGen C4040739, MONDO:0013875, OMIM 614739.

gnomAD v4.1: 23 of 1,605,736 alleles (0.0014%); highest among the groups gnomAD compares: Non-Finnish European, 0.0018%; no homozygotes.

Submission:

Labcorp Genetics (formerly Invitae), Labcorp
Classification: Uncertain significance for 3-methylglutaconic aciduria with deafness, encephalopathy, and Leigh-like syndrome. Last evaluated: 2024-06-02. Review status: criteria provided, single submitter. Criteria: Invitae Variant Classification Sherloc (09022015). Collection method: clinical testing. Allele origin: germline.
Comment: This sequence change replaces leucine, which is neutral and non-polar, with phenylalanine, which is neutral and non-polar, at codon 549 of the SERAC1 protein (p.Leu549Phe). The frequency data for this variant in the population databases is considered unreliable, as metrics indicate poor data quality at this position in the gnomAD database. This variant has not been reported in the literature in individuals affected with SERAC1-related conditions. Advanced modeling of protein sequence and biophysical properties (such as structural, functional, and spatial information, amino acid conservation, physicochemical variation, residue mobility, and thermodynamic stability) performed at Invitae indicates that this missense variant is not expected to disrupt SERAC1 protein function with a negative predictive value of 80%. In summary, the available evidence is currently insufficient to determine the role of this variant in disease. Therefore, it has been classified as a Variant of Uncertain Significance.

NM_032861.4(SERAC1):c.1645C>T (p.Leu549Phe)

Gene: SERAC1 (serine active site containing 1; minus strand). Cytogenetic location: 6q25.3.
Variant type: single nucleotide variant.
Coding change: c.1645C>T on transcript NM_032861.4 (MANE Select); coding-DNA position 1645, C replaced by T.
Protein change: p.Leu549Phe; replaces leucine 549 with phenylalanine.
Molecular consequence: missense variant. On other transcripts: non-coding transcript variant (1).
Genome position (GRCh38, 1-based): chr6:158,114,828, G>A on the plus strand (C>T on the coding strand, the complement: SERAC1 is on the minus strand). VCF-style: chr6-158114828-G-A. GRCh37 (hg19) VCF-style: chr6-158535860-G-A.
Other names: short protein forms L549F.
Identifiers: ClinVar variation 3707371 (VCV003707371.2).